The following is an entry in ClinVar:

NM_014974.3(DIP2C):c.3453+5G>C

Genes: DIP2C (disco interacting protein 2 homolog C; minus strand), LOC126860805 (BRD4-independent group 4 enhancer GRCh37_chr10:390524-391723; plus strand). Cytogenetic location: 10p15.3.
Variant type: single nucleotide variant.
Coding change: c.3453+5G>C on transcript NM_014974.3 (MANE Select); 5 bases into the intron after coding-DNA position 3453, G replaced by C.
Molecular consequence: intron variant.
Genome position (GRCh38, 1-based): chr10:344,804, C>G on the plus strand (G>C on the coding strand, the complement: DIP2C is on the minus strand). VCF-style: chr10-344804-C-G. GRCh37 (hg19) VCF-style: chr10-390744-C-G.
Identifiers: ClinVar variation 3900347 (VCV003900347.1).

ClinVar aggregate classification (germline): Likely pathogenic (1 of 4 stars; one submission).

gnomAD v4.1: 1 of 1,578,752 alleles (0.000063%); highest among the groups gnomAD compares: Non-Finnish European, 0.000086%; no homozygotes.

Submission:

GeneDx
Classification: Likely pathogenic. Last evaluated: 2024-11-21. Review status: criteria provided, single submitter. Criteria: GeneDx Variant Classification Process June 2021. Collection method: clinical testing. Allele origin: germline. Affected: yes.
Comment: Intronic variant directly or indirectly altering the +5 splice site in a gene for which loss of function is a known mechanism of disease, and splice predictors support a deleterious effect; Not observed at significant frequency in large population cohorts (gnomAD); Has not been previously published as pathogenic or benign to our knowledge